The following is an entry in ClinVar:

ClinVar aggregate classification (germline): Uncertain significance (1 of 4 stars; one submission).

Conditions:
Early-infantile DEE. Also called: Early infantile epileptic encephalopathy; Early infantile epileptic encephalopathy with suppression bursts; Ohtahara syndrome. Identifiers: Orphanet 1934, MedGen C0393706, MONDO:0800491.

Submission:

Labcorp Genetics (formerly Invitae), Labcorp
Classification: Uncertain significance for Early-infantile DEE. Last evaluated: 2022-11-07. Review status: criteria provided, single submitter. Criteria: Invitae Variant Classification Sherloc (09022015). Collection method: clinical testing. Allele origin: germline.
Comment: In summary, the available evidence is currently insufficient to determine the role of this variant in disease. Therefore, it has been classified as a Variant of Uncertain Significance. Advanced modeling of protein sequence and biophysical properties (such as structural, functional, and spatial information, amino acid conservation, physicochemical variation, residue mobility, and thermodynamic stability) performed at Invitae indicates that this missense variant is expected to disrupt SCN1A protein function. This variant has not been reported in the literature in individuals affected with SCN1A-related conditions. This variant is not present in population databases (gnomAD no frequency). This sequence change replaces arginine, which is basic and polar, with serine, which is neutral and polar, at codon 618 of the SCN1A protein (p.Arg618Ser).

NM_001165963.4(SCN1A):c.1852C>A (p.Arg618Ser)

Gene: SCN1A (sodium voltage-gated channel alpha subunit 1; minus strand). Cytogenetic location: 2q24.3.
Variant type: single nucleotide variant.
Coding change: c.1852C>A on transcript NM_001165963.4 (MANE Select); coding-DNA position 1852, C replaced by A.
Protein change: p.Arg618Ser; replaces arginine 618 with serine.
Molecular consequence: missense variant. On other transcripts: 5 prime UTR variant (1), non-coding transcript variant (1).
Genome position (GRCh38, 1-based): chr2:166,043,860, G>T on the plus strand (C>A on the coding strand, the complement: SCN1A is on the minus strand). VCF-style: chr2-166043860-G-T. GRCh37 (hg19) VCF-style: chr2-166900370-G-T.
Other names: c.1852C>A, p.Arg618Ser (NM_001165964.3, NM_001202435.3, NM_001353948.2 and 7 more transcripts); c.1849C>A, p.Arg617Ser (NM_001353954.2, NM_001353955.2, NM_001353960.2); c.-574C>A (NM_001353961.2); short protein forms R617S, R618S.
Identifiers: ClinVar variation 2801129 (VCV002801129.3), dbSNP rs750516202, ClinGen allele CA349067449.
Genomic context (GRCh38, chr2:166,043,860, plus strand): 5'-TCGCTGGAAACACTGCCAGCATCCGGGATGACCTACTGGTCTGACTCAGGTTGCTGTTGC[G>T]TCTCTCTCCGTGTCGTCGGGGCACAAACAAGGAATCTCTACGGCTCTCGTTATCCTCAAA-3'
Protein context (NP_001159435.1, residues 608-628): LFVPRRHGER[Arg618Ser]NSNLSQTSRS